The following is an entry in ClinVar:

ClinVar aggregate classification (germline): Pathogenic (1 of 4 stars; one submission).

Submission:

CeGaT Center for Human Genetics Tuebingen
Classification: Pathogenic. Last evaluated: 2026-09-01. Review status: criteria provided, single submitter. Criteria: CeGaT Center For Human Genetics Tuebingen Variant Classification Criteria Version 2. Collection method: clinical testing. Allele origin: germline. Affected: yes. Observed: 1 variant allele.
Comment: CACNA1A: PVS1, PM2

NM_001127222.2(CACNA1A):c.2895_2920dup (p.Glu974fs)

Gene: CACNA1A (calcium voltage-gated channel subunit alpha1 A; minus strand). Cytogenetic location: 19p13.13.
Variant type: Duplication.
Coding change: c.2895_2920dup on transcript NM_001127222.2 (MANE Select); coding-DNA positions 2895 to 2920, 26 bases duplicated (GGAGGAGGGTCCGGAGGACAAGGCGG).
Protein change: p.Glu974fs; shifts the reading frame from glutamic acid 974.
Molecular consequence: frameshift variant.
Genome position (GRCh38, 1-based): chr19:13,298,713-13,298,738, CCGCCTTGTCCTCCGGACCCTCCTCC duplicated on the plus strand (GGAGGAGGGTCCGGAGGACAAGGCGG on the coding strand, the reverse complement: CACNA1A is on the minus strand); duplicating any 26 consecutive bases within chr19:13,298,713-13,298,741 gives the same sequence; the c. name uses the placement nearest the transcript's 3' end. VCF-style (leftmost placement, unchanged base first): chr19-13298712-T-TCCGCCTTGTCCTCCGGACCCTCCTCC. GRCh37 (hg19) VCF-style: chr19-13409526-T-TCCGCCTTGTCCTCCGGACCCTCCTCC.
Other names: c.2907_2932dup, p.Glu978fs (NM_000068.4, NM_023035.3); c.2898_2923dup, p.Glu975fs (NM_001127221.2, NM_001174080.2); short protein forms E974fs, E975fs, E978fs.
Identifiers: ClinVar variation 5041462 (VCV005041462.1).